The following is an entry in ClinVar:

NM_000094.4(COL7A1):c.814C>A (p.Leu272Met)

Gene: COL7A1 (collagen type VII alpha 1 chain; minus strand). Cytogenetic location: 3p21.31.
Variant type: single nucleotide variant.
Coding change: c.814C>A on transcript NM_000094.4 (MANE Select); coding-DNA position 814, C replaced by A.
Protein change: p.Leu272Met; replaces leucine 272 with methionine.
Molecular consequence: missense variant.
Genome position (GRCh38, 1-based): chr3:48,592,807, G>T on the plus strand (C>A on the coding strand, the complement: COL7A1 is on the minus strand). VCF-style: chr3-48592807-G-T. GRCh37 (hg19) VCF-style: chr3-48630240-G-T.
Other names: short protein forms L272M.
Identifiers: ClinVar variation 1413148 (VCV001413148.5), dbSNP rs761770920, ClinGen allele CA2381440.

ClinVar aggregate classification (germline): Uncertain significance (1 of 4 stars; one submission).

Allele frequency attached by ClinVar (database versions not stated): gnomAD exomes below 0.00001 and 0.00002; TOPMed below 0.00001; gnomAD 0.00001; ExAC 0.00001.
gnomAD v4.1: 24 of 1,613,664 alleles (0.0015%); highest among the groups gnomAD compares: Non-Finnish European, 0.0019%; no homozygotes.

Submission:

Labcorp Genetics (formerly Invitae), Labcorp
Classification: Uncertain significance. Last evaluated: 2022-07-16. Review status: criteria provided, single submitter. Criteria: Invitae Variant Classification Sherloc (09022015). Collection method: clinical testing. Allele origin: germline.
Comment: This sequence change replaces leucine, which is neutral and non-polar, with methionine, which is neutral and non-polar, at codon 272 of the COL7A1 protein (p.Leu272Met). This variant is present in population databases (rs761770920, gnomAD 0.002%). This variant has not been reported in the literature in individuals affected with COL7A1-related conditions. ClinVar contains an entry for this variant (Variation ID: 1413148). Advanced modeling of protein sequence and biophysical properties (such as structural, functional, and spatial information, amino acid conservation, physicochemical variation, residue mobility, and thermodynamic stability) performed at Invitae indicates that this missense variant is not expected to disrupt COL7A1 protein function. In summary, the available evidence is currently insufficient to determine the role of this variant in disease. Therefore, it has been classified as a Variant of Uncertain Significance.